The following is an entry in ClinVar:

ClinVar aggregate classification (germline): Uncertain significance. Review status: criteria provided, multiple submitters, no conflicts (2 of 4 stars). 2 submissions from 2 submitters: Uncertain significance (2). Last evaluated 2025-04-25.

Conditions:
Inborn genetic diseases. Identifiers: MedGen C0950123, MeSH D030342.

Allele frequency attached by ClinVar (database versions not stated): gnomAD exomes 0.00002 and 0.00004; gnomAD 0.00013 and 0.00012; TOPMed 0.00009; ExAC 0.00006; ESP Exome Variant Server 0.00015.
gnomAD v4.1: 51 of 1,613,952 alleles (0.0032%); highest among the groups gnomAD compares: African/African-American, 0.036%; 1 homozygote.

Submissions (2):

Ambry Genetics
Classification: Uncertain significance for Inborn genetic diseases. Last evaluated: 2025-04-25. Review status: criteria provided, single submitter. Criteria: Ambry Variant Classification Scheme 2023. Collection method: clinical testing. Allele origin: germline.

Labcorp Genetics (formerly Invitae), Labcorp
Classification: Uncertain significance. Last evaluated: 2024-12-24. Review status: criteria provided, single submitter. Criteria: Invitae Variant Classification Sherloc (09022015). Collection method: clinical testing. Allele origin: germline.
Comment: This sequence change replaces arginine, which is basic and polar, with tryptophan, which is neutral and slightly polar, at codon 623 of the DUOX2 protein (p.Arg623Trp). This variant is present in population databases (rs142226749, gnomAD 0.05%). This variant has not been reported in the literature in individuals affected with DUOX2-related conditions. ClinVar contains an entry for this variant (Variation ID: 1390975). Invitae Evidence Modeling of protein sequence and biophysical properties (such as structural, functional, and spatial information, amino acid conservation, physicochemical variation, residue mobility, and thermodynamic stability) indicates that this missense variant is expected to disrupt DUOX2 protein function with a positive predictive value of 80%. In summary, the available evidence is currently insufficient to determine the role of this variant in disease. Therefore, it has been classified as a Variant of Uncertain Significance.

NM_001363711.2(DUOX2):c.1867C>T (p.Arg623Trp)

Gene: DUOX2 (dual oxidase 2; minus strand). Cytogenetic location: 15q21.1.
Variant type: single nucleotide variant.
Coding change: c.1867C>T on transcript NM_001363711.2 (MANE Select); coding-DNA position 1867, C replaced by T.
Protein change: p.Arg623Trp; replaces arginine 623 with tryptophan.
Molecular consequence: missense variant.
Genome position (GRCh38, 1-based): chr15:45,106,606, G>A on the plus strand (C>T on the coding strand, the complement: DUOX2 is on the minus strand). VCF-style: chr15-45106606-G-A. GRCh37 (hg19) VCF-style: chr15-45398804-G-A.
Other names: c.1867C>T, p.Arg623Trp (NM_014080.5); c.1867C>T (NM_014080.4); short protein forms R623W.
Identifiers: ClinVar variation 1390975 (VCV001390975.6), dbSNP rs142226749, ClinGen allele CA7538468.